The following is an entry in ClinVar:

ClinVar aggregate classification (germline): Uncertain significance (1 of 4 stars; one submission).

gnomAD v4.1: 3 of 1,614,056 alleles (0.00019%); highest among the groups gnomAD compares: Non-Finnish European, 0.00025%; no homozygotes.

Submission:

Ambry Genetics
Classification: Uncertain significance. Last evaluated: 2024-11-15. Review status: criteria provided, single submitter. Criteria: Ambry Variant Classification Scheme 2023. Collection method: clinical testing. Allele origin: germline.
Comment: The p.L326I variant (also known as c.976C>A), located in coding exon 2 of the PALLD gene, results from a C to A substitution at nucleotide position 976. The leucine at codon 326 is replaced by isoleucine, an amino acid with highly similar properties. This amino acid position is conserved. In addition, this alteration is predicted to be tolerated by in silico analysis. Based on the available evidence, the clinical significance of this variant remains unclear.

NM_001166108.2(PALLD):c.976C>A (p.Leu326Ile)

Gene: PALLD (palladin, cytoskeletal associated protein; plus strand). Cytogenetic location: 4q32.3.
Variant type: single nucleotide variant.
Coding change: c.976C>A on transcript NM_001166108.2 (MANE Select); coding-DNA position 976, C replaced by A.
Protein change: p.Leu326Ile; replaces leucine 326 with isoleucine.
Molecular consequence: missense variant. On other transcripts: 5 prime UTR variant (1).
Genome position (GRCh38, 1-based): chr4:168,668,257, C>A. VCF-style: chr4-168668257-C-A. GRCh37 (hg19) VCF-style: chr4-169589408-C-A.
Other names: c.-171C>A (NM_001166109.2); c.976C>A, p.Leu326Ile (NM_016081.4); short protein forms L326I.
Identifiers: ClinVar variation 3413663 (VCV003413663.1).
Genomic context (GRCh38, chr4:168,668,257, plus strand): 5'-TGTGAAGGGAAAGAACTGCACAACACTCCTGATATTCAAATCCACTGTGAGGGAGGGGAC[C>A]TCCATACCCTGATCATAGCAGAGGCCTTTGAGGACGACACAGGTCGCTACACCTGTTTGG-3'
Protein context (NP_001159580.1, residues 316-336): DIQIHCEGGD[Leu326Ile]HTLIIAEAFE